The following is an entry in ClinVar:

NM_021020.5(LZTS1):c.853GAG[1] (p.Glu286del)

Gene: LZTS1 (leucine zipper tumor suppressor 1; minus strand). Cytogenetic location: 8p21.3.
Variant type: Microsatellite.
Coding change: c.853GAG[1] on transcript NM_021020.5 (MANE Select); one copy of the 3-base unit GAG starting at c.853; the reference has two copies in a row; one copy, 3 bases deleted.
Protein change: p.Glu286del; deletes glutamic acid 286.
Molecular consequence: inframe deletion.
Genome position (GRCh38, 1-based): chr8:20,253,073-20,253,075, CTC deleted on the plus strand (GAG on the coding strand, the reverse complement: LZTS1 is on the minus strand); deleting any 3 consecutive bases within chr8:20,253,073-20,253,078 gives the same sequence; the position shown is the placement nearest the transcript's 3' end. VCF-style (leftmost placement, unchanged base first): chr8-20253072-TCTC-T. GRCh37 (hg19) VCF-style: chr8-20110583-TCTC-T.
Other names: c.853GAG[1], p.Glu286del (NM_001362884.2); short protein forms E286del.
Identifiers: ClinVar variation 3625068 (VCV003625068.2).

ClinVar aggregate classification (germline): Uncertain significance (1 of 4 stars; one submission).

Submission:

Labcorp Genetics (formerly Invitae), Labcorp
Classification: Uncertain significance. Last evaluated: 2025-03-19. Review status: criteria provided, single submitter. Criteria: Invitae Variant Classification Sherloc (09022015). Collection method: clinical testing. Allele origin: germline.
Comment: This variant, c.856_858del, results in the deletion of 1 amino acid(s) of the LZTS1 protein (p.Glu286del), but otherwise preserves the integrity of the reading frame. This variant is present in population databases (rs751405286, gnomAD 0.006%). This variant has not been reported in the literature in individuals affected with LZTS1-related conditions. Experimental studies and prediction algorithms are not available or were not evaluated, and the functional significance of this variant is currently unknown. In summary, the available evidence is currently insufficient to determine the role of this variant in disease. Therefore, it has been classified as a Variant of Uncertain Significance.